The following is an entry in ClinVar:

ClinVar aggregate classification (germline): Uncertain significance. Review status: criteria provided, multiple submitters, no conflicts (2 of 4 stars). 2 submissions from 2 submitters: Uncertain significance (2). Last evaluated 2022-07-26.

Conditions:
Peroxisome biogenesis disorder. Identifiers: Orphanet 79189, MedGen C1832200, MONDO:0019234. Disease mechanism: loss of function.

gnomAD v4.1: 4 of 1,512,308 alleles (0.00026%); highest among the groups gnomAD compares: Non-Finnish European, 0.00035%; no homozygotes.

Submissions (2):

Labcorp Genetics (formerly Invitae), Labcorp
Classification: Uncertain significance for Peroxisome biogenesis disorder. Last evaluated: 2022-07-26. Review status: criteria provided, single submitter. Criteria: Invitae Variant Classification Sherloc (09022015). Collection method: clinical testing. Allele origin: germline.
Comment: This sequence change replaces valine, which is neutral and non-polar, with glycine, which is neutral and non-polar, at codon 54 of the PEX6 protein (p.Val54Gly). This variant is not present in population databases (gnomAD no frequency). This variant has not been reported in the literature in individuals affected with PEX6-related conditions. ClinVar contains an entry for this variant (Variation ID: 1381195). Algorithms developed to predict the effect of missense changes on protein structure and function are either unavailable or do not agree on the potential impact of this missense change (SIFT: "Tolerated"; PolyPhen-2: "Probably Damaging"; Align-GVGD: "Class C0"). In summary, the available evidence is currently insufficient to determine the role of this variant in disease. Therefore, it has been classified as a Variant of Uncertain Significance.

Revvity Omics, Revvity
Classification: Uncertain significance. Last evaluated: 2019-03-08. Review status: criteria provided, single submitter. Criteria: ACMG Guidelines, 2015. Collection method: clinical testing. Allele origin: germline.

NM_000287.4(PEX6):c.161T>G (p.Val54Gly)

Gene: PEX6 (peroxisomal biogenesis factor 6; minus strand). Cytogenetic location: 6p21.1.
Variant type: single nucleotide variant.
Coding change: c.161T>G on transcript NM_000287.4 (MANE Select); coding-DNA position 161, T replaced by G.
Protein change: p.Val54Gly; replaces valine 54 with glycine.
Molecular consequence: missense variant. On other transcripts: non-coding transcript variant (1).
Genome position (GRCh38, 1-based): chr6:42,978,990, A>C on the plus strand (T>G on the coding strand, the complement: PEX6 is on the minus strand). VCF-style: chr6-42978990-A-C. GRCh37 (hg19) VCF-style: chr6-42946728-A-C.
Other names: c.161T>G (NM_000287.3); c.161T>G, p.Val54Gly (NM_001316313.2); short protein forms V54G.
Identifiers: ClinVar variation 1381195 (VCV001381195.5), dbSNP rs2150240668, ClinGen allele CA364168663.